The following is an entry in ClinVar:

NM_006180.6(NTRK2):c.2483A>T (p.Lys828Met)

Gene: NTRK2 (neurotrophic receptor tyrosine kinase 2; plus strand). Cytogenetic location: 9q21.33.
Variant type: single nucleotide variant.
Coding change: c.2483A>T on transcript NM_006180.6 (MANE Select); coding-DNA position 2483, A replaced by T.
Protein change: p.Lys828Met; replaces lysine 828 with methionine.
Molecular consequence: missense variant.
Genome position (GRCh38, 1-based): chr9:85,021,403, A>T. VCF-style: chr9-85021403-A-T. GRCh37 (hg19) VCF-style: chr9-87636318-A-T.
Other names: c.2435A>T, p.Lys812Met (NM_001018064.3, NM_001369532.1, NM_001369533.1); c.2399A>T, p.Lys800Met (NM_001369534.1); c.1967A>T, p.Lys656Met (NM_001369535.1); c.2015A>T, p.Lys672Met (NM_001369536.1); c.2483A>T, p.Lys828Met (NM_001381928.1); short protein forms K656M, K672M, K812M, K800M, K828M.
Identifiers: ClinVar variation 2111335 (VCV002111335.4), dbSNP rs2118018102, ClinGen allele CA374009528.

ClinVar aggregate classification (germline): Uncertain significance (1 of 4 stars; one submission).

Submission:

Labcorp Genetics (formerly Invitae), Labcorp
Classification: Uncertain significance. Last evaluated: 2022-03-29. Review status: criteria provided, single submitter. Criteria: Invitae Variant Classification Sherloc (09022015). Collection method: clinical testing. Allele origin: germline.
Comment: Advanced modeling of protein sequence and biophysical properties (such as structural, functional, and spatial information, amino acid conservation, physicochemical variation, residue mobility, and thermodynamic stability) performed at Invitae indicates that this missense variant is not expected to disrupt NTRK2 protein function. In summary, the available evidence is currently insufficient to determine the role of this variant in disease. Therefore, it has been classified as a Variant of Uncertain Significance. This sequence change replaces lysine, which is basic and polar, with methionine, which is neutral and non-polar, at codon 828 of the NTRK2 protein (p.Lys828Met). This variant is not present in population databases (gnomAD no frequency). This variant has not been reported in the literature in individuals affected with NTRK2-related conditions.